The following is an entry in ClinVar:

ClinVar aggregate classification (germline): Uncertain significance (1 of 4 stars; one submission).

Submission:

GeneDx
Classification: Uncertain significance. Last evaluated: 2022-01-24. Review status: criteria provided, single submitter. Criteria: GeneDx Variant Classification Process June 2021. Collection method: clinical testing. Allele origin: germline. Affected: yes.
Comment: Has not been previously published as pathogenic or benign to our knowledge; Not observed at significant frequency in large population cohorts (gnomAD); In silico analysis supports that this missense variant has a deleterious effect on protein structure/function; Located in one of the three hot-spot regions of the RYR2 gene, where the majority of pathogenic missense variants occur (Medeiros-Domingo et al., 2009); This variant is associated with the following publications: (PMID: 19926015)

NM_001035.3(RYR2):c.12582G>T (p.Glu4194Asp)

Genes: RYR2 (ryanodine receptor 2; plus strand), LOC126806068 (BRD4-independent group 4 enhancer GRCh37_chr1:237947411-237948610; plus strand). Cytogenetic location: 1q43.
Variant type: single nucleotide variant.
Coding change: c.12582G>T on transcript NM_001035.3 (MANE Select); coding-DNA position 12582, G replaced by T.
Protein change: p.Glu4194Asp; replaces glutamic acid 4194 with aspartic acid.
Molecular consequence: missense variant.
Genome position (GRCh38, 1-based): chr1:237,784,294, G>T. VCF-style: chr1-237784294-G-T. GRCh37 (hg19) VCF-style: chr1-237947594-G-T.
Other names: short protein forms E4194D.
Identifiers: ClinVar variation 1188461 (VCV001188461.4), dbSNP rs2149354363, ClinGen allele CA345413679.